The following is an entry in ClinVar:

ClinVar aggregate classification (germline): Uncertain significance (1 of 4 stars; one submission).

Allele frequency attached by ClinVar (database versions not stated): TOPMed below 0.00001; gnomAD 0.00001.
gnomAD v4.1: 1 of 1,614,122 alleles (0.000062%); highest among the groups gnomAD compares: African/African-American, 0.0013%; no homozygotes.

Submission:

Labcorp Genetics (formerly Invitae), Labcorp
Classification: Uncertain significance. Last evaluated: 2023-08-11. Review status: criteria provided, single submitter. Criteria: Invitae Variant Classification Sherloc (09022015). Collection method: clinical testing. Allele origin: germline.
Comment: This variant has not been reported in the literature in individuals affected with NEFH-related conditions. Advanced modeling of protein sequence and biophysical properties (such as structural, functional, and spatial information, amino acid conservation, physicochemical variation, residue mobility, and thermodynamic stability) performed at Invitae indicates that this missense variant is expected to disrupt NEFH protein function. In summary, the available evidence is currently insufficient to determine the role of this variant in disease. Therefore, it has been classified as a Variant of Uncertain Significance. This variant is present in population databases (no rsID available, gnomAD 0.01%). This sequence change replaces glycine, which is neutral and non-polar, with serine, which is neutral and polar, at codon 408 of the NEFH protein (p.Gly408Ser).

NM_021076.4(NEFH):c.1222G>A (p.Gly408Ser)

Gene: NEFH (neurofilament heavy chain; plus strand). Cytogenetic location: 22q12.2.
Variant type: single nucleotide variant.
Coding change: c.1222G>A on transcript NM_021076.4 (MANE Select); coding-DNA position 1222, G replaced by A.
Protein change: p.Gly408Ser; replaces glycine 408 with serine.
Molecular consequence: missense variant.
Genome position (GRCh38, 1-based): chr22:29,488,862, G>A. VCF-style: chr22-29488862-G-A. GRCh37 (hg19) VCF-style: chr22-29884851-G-A.
Other names: short protein forms G408S.
Identifiers: ClinVar variation 2831520 (VCV002831520.3), dbSNP rs1298212450, ClinGen allele CA411128346.